The following is an entry in ClinVar:

ClinVar aggregate classification (germline): Uncertain significance (1 of 4 stars; one submission).

Conditions:
Hereditary cancer-predisposing syndrome. Also called: Tumor predisposition; Hereditary neoplastic syndrome; Hereditary Cancer Syndrome; Neoplastic Syndromes, Hereditary. Identifiers: Orphanet 140162, MedGen C0027672, MeSH D009386, MONDO:0015356.

Submission:

Color Diagnostics, LLC DBA Color Health
Classification: Uncertain significance for Hereditary cancer-predisposing syndrome. Last evaluated: 2024-03-06. Review status: criteria provided, single submitter. Criteria: ACMG Guidelines, 2015. Collection method: clinical testing. Allele origin: germline.
Comment: This missense variant replaces serine with alanine at codon 3016 of the BRCA2 protein. Computational prediction suggests that this variant may not impact protein structure and function (internally defined REVEL score threshold <= 0.5, PMID: 27666373). To our knowledge, functional studies have not been reported for this variant. This variant has not been reported in individuals affected with hereditary cancer in the literature. This variant has not been identified in the general population by the Genome Aggregation Database (gnomAD). The available evidence is insufficient to determine the role of this variant in disease conclusively. Therefore, this variant is classified as a Variant of Uncertain Significance.

NM_000059.4(BRCA2):c.9046T>G (p.Ser3016Ala)

Gene: BRCA2 (BRCA2 DNA repair associated; plus strand). Cytogenetic location: 13q13.1.
Variant type: single nucleotide variant.
Coding change: c.9046T>G on transcript NM_000059.4 (MANE Select); coding-DNA position 9046, T replaced by G.
Protein change: p.Ser3016Ala; replaces serine 3016 with alanine.
Molecular consequence: missense variant.
Genome position (GRCh38, 1-based): chr13:32,379,842, T>G. VCF-style: chr13-32379842-T-G. GRCh37 (hg19) VCF-style: chr13-32953979-T-G.
Other names: short protein forms S3016A.
Identifiers: ClinVar variation 1172358 (VCV001172358.3), dbSNP rs2137623027, ClinGen allele CA387757530.